The following is an entry in ClinVar:

NM_000834.5(GRIN2B):c.2575G>A (p.Gly859Ser)

Gene: GRIN2B (glutamate ionotropic receptor NMDA type subunit 2B; minus strand). Cytogenetic location: 12p13.1.
Variant type: single nucleotide variant.
Coding change: c.2575G>A on transcript NM_000834.5 (MANE Select); coding-DNA position 2575, G replaced by A.
Protein change: p.Gly859Ser; replaces glycine 859 with serine.
Molecular consequence: missense variant.
Genome position (GRCh38, 1-based): chr12:13,567,048, C>T on the plus strand (G>A on the coding strand, the complement: GRIN2B is on the minus strand). VCF-style: chr12-13567048-C-T. GRCh37 (hg19) VCF-style: chr12-13719982-C-T.
Other names: c.2575G>A, p.Gly859Ser (NM_001413992.1); short protein forms G859S.
Identifiers: ClinVar variation 3572552 (VCV003572552.1).

ClinVar aggregate classification (germline): Uncertain significance (1 of 4 stars; one submission).

Submission:

GeneDx
Classification: Uncertain significance. Last evaluated: 2024-07-10. Review status: criteria provided, single submitter. Criteria: GeneDx Variant Classification Process June 2021. Collection method: clinical testing. Allele origin: germline. Affected: yes.
Comment: Not observed at significant frequency in large population cohorts (gnomAD); In silico analysis supports that this missense variant has a deleterious effect on protein structure/function; Has not been previously published as pathogenic or benign to our knowledge